The following is an entry in ClinVar:

ClinVar aggregate classification (germline): Conflicting classifications of pathogenicity. Review status: criteria provided, conflicting classifications (1 of 4 stars). 3 submissions from 3 submitters: Uncertain significance (2); Likely benign (1). Last evaluated 2025-11-25.

Conditions:
Early-infantile DEE. Also called: Ohtahara syndrome; Early infantile epileptic encephalopathy; Early infantile epileptic encephalopathy with suppression bursts. Identifiers: Orphanet 1934, MedGen C0393706, MONDO:0800491.
Inborn genetic diseases. Identifiers: MedGen C0950123, MeSH D030342.

Allele frequency attached by ClinVar (database versions not stated): ExAC 0.00001; gnomAD exomes 0.00002; gnomAD 0.00003 and 0.00004; ESP Exome Variant Server 0.00008; TOPMed 0.00008.
gnomAD v4.1: 53 of 1,614,028 alleles (0.0033%); highest among the groups gnomAD compares: African/African-American, 0.0053%; no homozygotes.

Submissions (3):

Labcorp Genetics (formerly Invitae), Labcorp
Classification: Likely benign for Early-infantile DEE. Last evaluated: 2025-11-25. Review status: criteria provided, single submitter. Criteria: Invitae Variant Classification Sherloc (09022015). Collection method: clinical testing. Allele origin: germline.

Ambry Genetics
Classification: Uncertain significance for Inborn genetic diseases. Last evaluated: 2025-11-17. Review status: criteria provided, single submitter. Criteria: Ambry Variant Classification Scheme 2023. Collection method: clinical testing. Allele origin: germline.
Comment: The c.3134G>A (p.R1045Q) alteration is located in exon 22 (coding exon 21) of the SPTAN1 gene. This alteration results from a G to A substitution at nucleotide position 3134, causing the arginine (R) at amino acid position 1045 to be replaced by a glutamine (Q). for autosomal dominant SPTAN1-related neurologic disorders; however, it is unlikely to be causative of autosomal dominant SPTAN1-related developmental and epileptic encephalopathy. Based on data from gnomAD, the A allele has an overall frequency of 0.002% (6/282736) total alleles studied. The highest observed frequency was 0.008% (2/24966) of African alleles. This amino acid position is highly conserved in available vertebrate species. The in silico prediction for this alteration is inconclusive. Based on insufficient or conflicting evidence, the clinical significance of this alteration remains unclear.

CeGaT Center for Human Genetics Tuebingen
Classification: Uncertain significance. Last evaluated: 2024-11-01. Review status: criteria provided, single submitter. Criteria: CeGaT Center For Human Genetics Tuebingen Variant Classification Criteria Version 2. Collection method: clinical testing. Allele origin: germline. Affected: yes. Observed: 1 variant allele.

NM_001130438.3(SPTAN1):c.3134G>A (p.Arg1045Gln)

Gene: SPTAN1 (spectrin alpha, non-erythrocytic 1; plus strand). Cytogenetic location: 9q34.11.
Variant type: single nucleotide variant.
Coding change: c.3134G>A on transcript NM_001130438.3 (MANE Select); coding-DNA position 3134, G replaced by A.
Protein change: p.Arg1045Gln; replaces arginine 1045 with glutamine.
Molecular consequence: missense variant.
Genome position (GRCh38, 1-based): chr9:128,591,604, G>A. VCF-style: chr9-128591604-G-A. GRCh37 (hg19) VCF-style: chr9-131353883-G-A.
Other names: c.3134G>A, p.Arg1045Gln (NM_001195532.2, NM_001363759.2, NM_001363765.2 and 1 more transcripts); short protein forms R1045Q.
Identifiers: ClinVar variation 579321 (VCV000579321.27), dbSNP rs368406599, ClinGen allele CA5264828.